The following is an entry in ClinVar:

NM_018979.4(WNK1):c.476G>A (p.Ser159Asn)

Gene: WNK1 (WNK lysine deficient protein kinase 1; plus strand). Cytogenetic location: 12p13.33.
Variant type: single nucleotide variant.
Coding change: c.476G>A on transcript NM_018979.4 (MANE Select); coding-DNA position 476, G replaced by A.
Protein change: p.Ser159Asn; replaces serine 159 with asparagine.
Molecular consequence: missense variant.
Genome position (GRCh38, 1-based): chr12:754,041, G>A. VCF-style: chr12-754041-G-A. GRCh37 (hg19) VCF-style: chr12-863207-G-A.
Other names: c.476G>A, p.Ser159Asn (NM_001184985.2, NM_014823.3, NM_213655.5); short protein forms S159N.
Identifiers: ClinVar variation 2930766 (VCV002930766.3), dbSNP rs1054763630, ClinGen allele CA383306656.
Genomic context (GRCh38, chr12:754,041, plus strand): 5'-CCGCTGCCGCCCCTGGGGAACAGGCCGTCGCGGGCCCTGCCCCCTCGACTGTCCCCAGCA[G>A]TACCAGCAAAGACCGCCCAGTGTCCCAGCCTAGCCTTGTGGGGAGCAAAGAGGAGCCGCC-3'
Protein context (NP_061852.3, residues 149-169): AGPAPSTVPS[Ser159Asn]TSKDRPVSQP

ClinVar aggregate classification (germline): Uncertain significance (1 of 4 stars; one submission).

Conditions:
Neuropathy, hereditary sensory and autonomic, type 2A (HSAN2A). Also called: HSAN IIA; WNK1-Related HSAN2 (HSAN2A); ACROOSTEOLYSIS, GIACCAI TYPE; ACROOSTEOLYSIS, NEUROGENIC; MORVAN DISEASE; NEUROPATHY, CONGENITAL SENSORY. Identifiers: Orphanet 970, MedGen C2752089, MONDO:0024309, OMIM 201300.
Pseudohypoaldosteronism type 2C (PHA2C). Also called: Pseudohypoaldosteronism Type IIC. Identifiers: Orphanet 757, Orphanet 88940, MedGen C1840391, MONDO:0013778, OMIM 614492.

Allele frequency attached by ClinVar (database versions not stated): gnomAD exomes below 0.00001.
gnomAD v4.1: 1 of 1,595,240 alleles (0.000063%); highest among the groups gnomAD compares: Non-Finnish European, 0.000085%; no homozygotes.

Submission:

Labcorp Genetics (formerly Invitae), Labcorp
Classification: Uncertain significance for Neuropathy, hereditary sensory and autonomic, type 2A; Pseudohypoaldosteronism type 2C. Last evaluated: 2023-12-01. Review status: criteria provided, single submitter. Criteria: Invitae Variant Classification Sherloc (09022015). Collection method: clinical testing. Allele origin: germline.
Comment: This sequence change replaces serine, which is neutral and polar, with asparagine, which is neutral and polar, at codon 159 of the WNK1 protein (p.Ser159Asn). This variant is present in population databases (no rsID available, gnomAD 0.001%). This variant has not been reported in the literature in individuals affected with WNK1-related conditions. Advanced modeling of protein sequence and biophysical properties (such as structural, functional, and spatial information, amino acid conservation, physicochemical variation, residue mobility, and thermodynamic stability) performed at Invitae indicates that this missense variant is not expected to disrupt WNK1 protein function with a negative predictive value of 95%. In summary, the available evidence is currently insufficient to determine the role of this variant in disease. Therefore, it has been classified as a Variant of Uncertain Significance.